The following is an entry in ClinVar:

NM_015450.3(POT1):c.1315G>T (p.Val439Leu)

Gene: POT1 (protection of telomeres 1; minus strand). Cytogenetic location: 7q31.33.
Variant type: single nucleotide variant.
Coding change: c.1315G>T on transcript NM_015450.3 (MANE Select); coding-DNA position 1315, G replaced by T.
Protein change: p.Val439Leu; replaces valine 439 with leucine.
Molecular consequence: missense variant. On other transcripts: non-coding transcript variant (3).
Genome position (GRCh38, 1-based): chr7:124,841,027, C>A on the plus strand (G>T on the coding strand, the complement: POT1 is on the minus strand). VCF-style: chr7-124841027-C-A. GRCh37 (hg19) VCF-style: chr7-124481081-C-A.
Other names: c.922G>T, p.Val308Leu (NM_001042594.2); short protein forms V439L, V308L.
Identifiers: ClinVar variation 651734 (VCV000651734.17), dbSNP rs547000637, ClinGen allele CA4465164.
Genomic context (GRCh38, chr7:124,841,027, plus strand): 5'-TCTTACCTTCTATCAAAAGTAGACATTCATTTGAAAGCGGGAGAATACCATTATTTTTCA[C>A]AAAATGAACTGCTACTTTTCGTCCTTTTTGATTTTTAGTGGTCCAGATTTTTGAATCATA-3'
Protein context (NP_056265.2, residues 429-449): QKGRKVAVHF[Val439Leu]KNNGILPLSN

ClinVar aggregate classification (germline): Conflicting classifications of pathogenicity. Review status: criteria provided, conflicting classifications (1 of 4 stars). 5 submissions from 5 submitters: Uncertain significance (4); Likely benign (1). Last evaluated 2025-05-24.

Conditions:
Tumor predisposition syndrome 3 (TPDS3). Also called: Melanoma, cutaneous malignant, susceptibility to, 10; Glioma susceptibility 9; LONG TELOMERE SYNDROME, POT1-RELATED; POT1 Tumor Predisposition. Identifiers: Orphanet 618, MedGen C4014476, MONDO:0014368, OMIM 615848.
Hereditary cancer-predisposing syndrome. Also called: Tumor predisposition; Neoplastic Syndromes, Hereditary; Hereditary Cancer Syndrome; Hereditary neoplastic syndrome. Identifiers: Orphanet 140162, MedGen C0027672, MeSH D009386, MONDO:0015356.

Allele frequency attached by ClinVar (database versions not stated): gnomAD 0.00001; gnomAD exomes 0.00001; TOPMed 0.00001; ExAC 0.00002; 1000 Genomes Project 0.00040; 1000 Genomes Project 30x 0.00062.
gnomAD v4.1: 6 of 1,611,988 alleles (0.00037%); highest among the groups gnomAD compares: Admixed American, 0.0083%; no homozygotes.

Submissions (5):

Quest Diagnostics Nichols Institute San Juan Capistrano
Classification: Uncertain significance. Last evaluated: 2025-05-24. Review status: criteria provided, single submitter. Criteria: Quest Diagnostics criteria. Collection method: clinical testing. Allele origin: unknown.
Comment: The POT1 c.1315G>T (p.Val439Leu) variant has not been reported in individuals with POT1-related conditions in the published literature. The frequency of this variant in the general population (Genome Aggregation Database) is uninformative in the assessment of its pathogenicity. Analysis of this variant using bioinformatics tools for the prediction of the effect of amino acid changes on protein structure and function yielded conflicting predictions that this variant is benign or damaging. Based on the available information, we are unable to determine the clinical significance of this variant.

Labcorp Genetics (formerly Invitae), Labcorp
Classification: Uncertain significance for Tumor predisposition syndrome 3. Last evaluated: 2025-01-13. Review status: criteria provided, single submitter. Criteria: Invitae Variant Classification Sherloc (09022015). Collection method: clinical testing. Allele origin: germline.
Comment: This sequence change replaces valine, which is neutral and non-polar, with leucine, which is neutral and non-polar, at codon 439 of the POT1 protein (p.Val439Leu). This variant is present in population databases (rs547000637, gnomAD 0.006%). This variant has not been reported in the literature in individuals affected with POT1-related conditions. ClinVar contains an entry for this variant (Variation ID: 651734). Invitae Evidence Modeling of protein sequence and biophysical properties (such as structural, functional, and spatial information, amino acid conservation, physicochemical variation, residue mobility, and thermodynamic stability) indicates that this missense variant is not expected to disrupt POT1 protein function with a negative predictive value of 80%. In summary, the available evidence is currently insufficient to determine the role of this variant in disease. Therefore, it has been classified as a Variant of Uncertain Significance.

GeneDx
Classification: Uncertain significance. Last evaluated: 2023-12-20. Review status: criteria provided, single submitter. Criteria: GeneDx Variant Classification Process June 2021. Collection method: clinical testing. Allele origin: germline. Affected: yes.
Comment: Not observed at significant frequency in large population cohorts (gnomAD); In silico analysis supports that this missense variant does not alter protein structure/function; Has not been previously published as pathogenic or benign to our knowledge; This variant is associated with the following publications: (PMID: 28393830)

Genetic Services Laboratory, University of Chicago
Classification: Uncertain significance. Last evaluated: 2021-01-04. Review status: criteria provided, single submitter. Criteria: ACMG Guidelines, 2015. Collection method: clinical testing. Allele origin: germline. Affected: no.
Comment: DNA sequence analysis of the POT1 gene demonstrated a sequence change, c.1315G>T, in exon 14 that results in an amino acid change, p.Val439Leu. This sequence change does not appear to have been previously described in individuals with POT1-related disorders and has been described in the gnomAD database in three individuals with an overall population frequency of 0.0012% (dbSNP rs547000637). The p.Val439Leu change affects a highly conserved amino acid residue located in a domain of the POT1 protein that is not known to be functional. In-silico pathogenicity prediction tools (SIFT, PolyPhen2, Align GVGD, REVEL) provide contradictory results for the p.Val439Leu substitution. Due to these contrasting evidences and the lack of functional studies, the clinical significance of the p.Val439Leu change remains unknown at this time.

Ambry Genetics
Classification: Likely benign for Hereditary cancer-predisposing syndrome. Last evaluated: 2019-04-04. Review status: criteria provided, single submitter. Criteria: Ambry Variant Classification Scheme 2023. Collection method: clinical testing. Allele origin: germline.